The following is an entry in ClinVar:

ClinVar aggregate classification (germline): Uncertain significance. Review status: criteria provided, multiple submitters, no conflicts (2 of 4 stars). 2 submissions from 2 submitters: Uncertain significance (2). Last evaluated 2025-03-26.

Allele frequency attached by ClinVar (database versions not stated): gnomAD exomes 0.00001; ExAC 0.00002.
gnomAD v4.1: 18 of 1,613,972 alleles (0.0011%); highest among the groups gnomAD compares: Middle Eastern, 0.016%; no homozygotes.

Submissions (2):

Mayo Clinic Laboratories, Mayo Clinic
Classification: Uncertain significance. Last evaluated: 2025-03-26. Review status: criteria provided, single submitter. Criteria: ACMG Guidelines, 2015. Collection method: clinical testing. Allele origin: germline. Observed: 1 variant allele.

Labcorp Genetics (formerly Invitae), Labcorp
Classification: Uncertain significance. Last evaluated: 2023-07-21. Review status: criteria provided, single submitter. Criteria: Invitae Variant Classification Sherloc (09022015). Collection method: clinical testing. Allele origin: germline.
Comment: This sequence change replaces arginine, which is basic and polar, with glutamine, which is neutral and polar, at codon 282 of the TUBB1 protein (p.Arg282Gln). This variant is present in population databases (rs746127844, gnomAD 0.02%). This variant has not been reported in the literature in individuals affected with TUBB1-related conditions. Advanced modeling of protein sequence and biophysical properties (such as structural, functional, and spatial information, amino acid conservation, physicochemical variation, residue mobility, and thermodynamic stability) performed at Invitae indicates that this missense variant is not expected to disrupt TUBB1 protein function. In summary, the available evidence is currently insufficient to determine the role of this variant in disease. Therefore, it has been classified as a Variant of Uncertain Significance.

NM_030773.4(TUBB1):c.845G>A (p.Arg282Gln)

Gene: TUBB1 (tubulin beta 1 class VI; plus strand). Cytogenetic location: 20q13.32.
Variant type: single nucleotide variant.
Coding change: c.845G>A on transcript NM_030773.4 (MANE Select); coding-DNA position 845, G replaced by A.
Protein change: p.Arg282Gln; replaces arginine 282 with glutamine.
Molecular consequence: missense variant.
Genome position (GRCh38, 1-based): chr20:59,024,272, G>A. VCF-style: chr20-59024272-G-A. GRCh37 (hg19) VCF-style: chr20-57599327-G-A.
Other names: p.Arg282Gln; short protein forms R282Q.
Identifiers: ClinVar variation 3017110 (VCV003017110.4), dbSNP rs746127844, ClinGen allele CA9928597.